The following is an entry in ClinVar:

ClinVar aggregate classification (germline): Likely benign. Review status: criteria provided, multiple submitters, no conflicts (2 of 4 stars). 3 submissions from 3 submitters: Likely benign (3). Last evaluated 2026-01-20.

Conditions:
SAG-related disorder. Also called: SAG-related condition; SAG-related disorders.

Allele frequency attached by ClinVar (database versions not stated): TOPMed 0.00006; gnomAD 0.00007; gnomAD exomes 0.00007; ESP Exome Variant Server 0.00008; ExAC 0.00010.
gnomAD v4.1: 79 of 1,606,546 alleles (0.0049%); highest among the groups gnomAD compares: Admixed American, 0.014%; no homozygotes.

Submissions (3):

Labcorp Genetics (formerly Invitae), Labcorp
Classification: Likely benign. Last evaluated: 2026-01-20. Review status: criteria provided, single submitter. Criteria: Invitae Variant Classification Sherloc (09022015). Collection method: clinical testing. Allele origin: germline.

PreventionGenetics, part of Exact Sciences
Classification: Likely benign for SAG-related condition. Last evaluated: 2025-10-07. Review status: criteria provided, single submitter. Criteria: ACMG Guidelines, 2015. Collection method: clinical testing. Allele origin: germline.
Comment: This variant is classified as likely benign based on ACMG/AMP sequence variant interpretation guidelines (Richards et al. 2015 PMID: 25741868, with internal and published modifications).

Blueprint Genetics
Classification: Likely benign. Last evaluated: 2024-09-10. Review status: criteria provided, single submitter. Criteria: ACMG Guidelines, 2015. Collection method: clinical testing. Allele origin: germline.

NM_000541.5(SAG):c.1053C>T (p.Val351=)

Gene: SAG (S-antigen visual arrestin; plus strand). Cytogenetic location: 2q37.1.
Variant type: single nucleotide variant.
Coding change: c.1053C>T on transcript NM_000541.5 (MANE Select); coding-DNA position 1053, C replaced by T.
Protein change: p.Val351=; no amino-acid change (valine 351 retained).
Molecular consequence: synonymous variant.
Genome position (GRCh38, 1-based): chr2:233,342,277, C>T. VCF-style: chr2-233342277-C-T. GRCh37 (hg19) VCF-style: chr2-234250923-C-T.
Other names: c.1053C>T (NM_000541.4).
Identifiers: ClinVar variation 1108662 (VCV001108662.9), dbSNP rs377460398, ClinGen allele CA2174663.